The following is an entry in ClinVar:

NM_001130965.3(SUN1):c.346G>A (p.Val116Ile)

Gene: SUN1 (Sad1 and UNC84 domain containing 1; plus strand). Cytogenetic location: 7p22.3.
Variant type: single nucleotide variant.
Coding change: c.346G>A on transcript NM_001130965.3 (MANE Select); coding-DNA position 346, G replaced by A.
Protein change: p.Val116Ile; replaces valine 116 with isoleucine.
Molecular consequence: missense variant. On other transcripts: 5 prime UTR variant (4), non-coding transcript variant (3).
Genome position (GRCh38, 1-based): chr7:842,025, G>A. VCF-style: chr7-842025-G-A. GRCh37 (hg19) VCF-style: chr7-881662-G-A.
Other names: c.346G>A, p.Val116Ile (NM_001367634.1, NM_001367638.1, NM_001367640.1 and 34 more transcripts); c.-112G>A (NM_001367635.1); c.196G>A, p.Val66Ile (NM_001367636.1, NM_001367637.1, NM_001367644.1 and 24 more transcripts); c.-222G>A (NM_001367639.1, NM_001367708.1); c.409G>A, p.Val137Ile (NM_001171945.2); c.565G>A, p.Val189Ile (NM_001367651.1); c.-416G>A (NM_001367658.1); c.157G>A, p.Val53Ile (NM_001367695.1); short protein forms V116I, V137I, V66I, V189I, V53I.
Identifiers: ClinVar variation 530826 (VCV000530826.8), dbSNP rs374613091, ClinGen allele CA4111475.

ClinVar aggregate classification (germline): Uncertain significance (1 of 4 stars; one submission).

Conditions:
Emery-Dreifuss muscular dystrophy (EDMD). Also called: Scapuloperoneal syndrome, X-linked (formerly); Humeroperoneal neuromuscular disease, (formerly). Identifiers: Orphanet 261, MedGen C0410189, MONDO:0016830.

Allele frequency attached by ClinVar (database versions not stated): gnomAD 0.00001; gnomAD exomes 0.00001 and 0.00002; ExAC 0.00002; TOPMed 0.00002; ESP Exome Variant Server 0.00008.
gnomAD v4.1: 37 of 1,614,048 alleles (0.0023%); highest among the groups gnomAD compares: African/African-American, 0.008%; no homozygotes.

Submission:

Labcorp Genetics (formerly Invitae), Labcorp
Classification: Uncertain significance for Emery-Dreifuss muscular dystrophy. Last evaluated: 2024-09-30. Review status: criteria provided, single submitter. Criteria: Invitae Variant Classification Sherloc (09022015). Collection method: clinical testing. Allele origin: germline.
Comment: This sequence change replaces valine, which is neutral and non-polar, with isoleucine, which is neutral and non-polar, at codon 116 of the SUN1 protein (p.Val116Ile). This variant is present in population databases (rs374613091, gnomAD 0.006%). This variant has not been reported in the literature in individuals affected with SUN1-related conditions. ClinVar contains an entry for this variant (Variation ID: 530826). An algorithm developed to predict the effect of missense changes on protein structure and function outputs the following: PolyPhen-2: "Benign". The isoleucine amino acid residue is found in multiple mammalian species, which suggests that this missense change does not adversely affect protein function. In summary, the available evidence is currently insufficient to determine the role of this variant in disease. Therefore, it has been classified as a Variant of Uncertain Significance.